The following is an entry in ClinVar:

ClinVar aggregate classification (germline): Uncertain significance (1 of 4 stars; one submission).

Submission:

Laboratorio de Genetica e Diagnostico Molecular, Hospital Israelita Albert Einstein
Classification: Uncertain significance. Last evaluated: 2021-09-14. Review status: criteria provided, single submitter. Criteria: ACMG Guidelines, 2015. Collection method: clinical testing. Allele origin: germline. Affected: yes.
Comment: ACMG classification criteria: PM2

NM_001080517.3(SETD5):c.71+3A>G

Gene: SETD5 (SET domain containing 5; plus strand). Cytogenetic location: 3p25.3.
Variant type: single nucleotide variant.
Coding change: c.71+3A>G on transcript NM_001080517.3 (MANE Select); 3 bases into the intron after coding-DNA position 71, A replaced by G.
Molecular consequence: intron variant.
Genome position (GRCh38, 1-based): chr3:9,429,012, A>G. VCF-style: chr3-9429012-A-G. GRCh37 (hg19) VCF-style: chr3-9470696-A-G.
Other names: c.-529+3A>G (NM_001349451.2); c.-488+3A>G (NM_001292043.2).
Identifiers: ClinVar variation 1690438 (VCV001690438.2), dbSNP rs2125044919, ClinGen allele CA2573136952.